The following is an entry in ClinVar:

NM_020041.3(SLC2A9):c.1113+9A>C

Gene: SLC2A9 (solute carrier family 2 member 9; minus strand). Cytogenetic location: 4p16.1.
Variant type: single nucleotide variant.
Coding change: c.1113+9A>C on transcript NM_020041.3 (MANE Select); 9 bases into the intron after coding-DNA position 1113, A replaced by C.
Molecular consequence: intron variant.
Genome position (GRCh38, 1-based): chr4:9,908,226, T>G on the plus strand (A>C on the coding strand, the complement: SLC2A9 is on the minus strand). VCF-style: chr4-9908226-T-G. GRCh37 (hg19) VCF-style: chr4-9909850-T-G.
Other names: p.?; c.1026+9A>C (NM_001001290.2).
Identifiers: ClinVar variation 350205 (VCV000350205.17), dbSNP rs2280204, ClinGen allele CA2856981.

ClinVar aggregate classification (germline): Benign. Review status: criteria provided, multiple submitters, no conflicts (2 of 4 stars). 6 submissions from 6 submitters: Benign (6). Last evaluated 2026-02-03.

Conditions:
Hypouricemia, renal, 2. Also called: HYPOURICEMIA, RENAL, 2, AUTOSOMAL DOMINANT; HYPOURICEMIA, RENAL, 2, AUTOSOMAL RECESSIVE. Identifiers: MedGen C2677549, MONDO:0012793, OMIM 612076.

Allele frequency attached by ClinVar (database versions not stated): gnomAD exomes 0.17343; ExAC 0.17423; gnomAD 0.21430 and 0.22018; 1000 Genomes Project 0.21506; ESP Exome Variant Server 0.21759; 1000 Genomes Project 30x 0.21814; TOPMed 0.22145.
gnomAD v4.1: 260,945 of 1,595,028 alleles (16%); highest among the groups gnomAD compares: African/African-American, 35%; 23,591 homozygotes.

Submissions (6):

Labcorp Genetics (formerly Invitae), Labcorp
Classification: Benign. Last evaluated: 2026-02-03. Review status: criteria provided, single submitter. Criteria: Invitae Variant Classification Sherloc (09022015). Collection method: clinical testing. Allele origin: germline.

Blueprint Genetics
Classification: Benign. Last evaluated: 2024-11-26. Review status: criteria provided, single submitter. Criteria: ACMG Guidelines, 2015. Collection method: clinical testing. Allele origin: germline.

Mayo Clinic Laboratories, Mayo Clinic
Classification: Benign. Last evaluated: 2022-03-09. Review status: criteria provided, single submitter. Criteria: ACMG Guidelines, 2015. Collection method: clinical testing. Allele origin: germline. Observed: 55 variant alleles.

GeneDx
Classification: Benign. Last evaluated: 2019-12-08. Review status: criteria provided, single submitter. Criteria: GeneDx Variant Classification Process June 2021. Collection method: clinical testing. Allele origin: germline. Affected: yes.

Illumina Laboratory Services, Illumina
Classification: Benign for Hypouricemia, renal, 2. Last evaluated: 2018-01-12. Review status: criteria provided, single submitter. Criteria: ICSL Variant Classification Criteria 13 December 2019. Collection method: clinical testing. Allele origin: germline.
Comment: This variant was observed in the ICSL laboratory as part of a predisposition screen in an ostensibly healthy population. It had not been previously curated by ICSL or reported in the Human Gene Mutation Database (HGMD: prior to June 1st, 2018), and was therefore a candidate for classification through an automated scoring system. Utilizing variant allele frequency, disease prevalence and penetrance estimates, and inheritance mode, an automated score was calculated to assess if this variant is too frequent to cause the disease. Based on the score and internal cut-off values, a variant classified as benign is not then subjected to further curation. The score for this variant resulted in a classification of benign for this disease.

Breakthrough Genomics
Classification: Benign. Review status: criteria provided, single submitter. Criteria: ACMG Guidelines, 2015. Collection method: not provided. Allele origin: germline. Inheritance: Autosomal dominant inheritance. Affected: yes.